The following is an entry in ClinVar:

NM_000780.4(CYP7A1):c.778C>A (p.Arg260Ser)

Gene: CYP7A1 (cytochrome P450 family 7 subfamily A member 1; minus strand). Cytogenetic location: 8q12.1.
Variant type: single nucleotide variant.
Coding change: c.778C>A on transcript NM_000780.4 (MANE Select); coding-DNA position 778, C replaced by A.
Protein change: p.Arg260Ser; replaces arginine 260 with serine.
Molecular consequence: missense variant.
Genome position (GRCh38, 1-based): chr8:58,496,734, G>T on the plus strand (C>A on the coding strand, the complement: CYP7A1 is on the minus strand). VCF-style: chr8-58496734-G-T. GRCh37 (hg19) VCF-style: chr8-59409293-G-T.
Other names: short protein forms R260S.
Identifiers: ClinVar variation 2978035 (VCV002978035.3), dbSNP rs1026171025, ClinGen allele CA177300166.

ClinVar aggregate classification (germline): Uncertain significance (1 of 4 stars; one submission).

Allele frequency attached by ClinVar (database versions not stated): TOPMed below 0.00001.
gnomAD v4.1: 83 of 1,614,142 alleles (0.0051%); highest among the groups gnomAD compares: Non-Finnish European, 0.0069%; no homozygotes.

Submission:

Labcorp Genetics (formerly Invitae), Labcorp
Classification: Uncertain significance. Last evaluated: 2025-06-04. Review status: criteria provided, single submitter. Criteria: Invitae Variant Classification Sherloc (09022015). Collection method: clinical testing. Allele origin: germline.
Comment: This sequence change replaces arginine, which is basic and polar, with serine, which is neutral and polar, at codon 260 of the CYP7A1 protein (p.Arg260Ser). This variant is present in population databases (no rsID available, gnomAD 0.0009%). This variant has not been reported in the literature in individuals affected with CYP7A1-related conditions. ClinVar contains an entry for this variant (Variation ID: 2978035). Invitae Evidence Modeling of protein sequence and biophysical properties (such as structural, functional, and spatial information, amino acid conservation, physicochemical variation, residue mobility, and thermodynamic stability) indicates that this missense variant is expected to disrupt CYP7A1 protein function with a positive predictive value of 80%. In summary, the available evidence is currently insufficient to determine the role of this variant in disease. Therefore, it has been classified as a Variant of Uncertain Significance.